The following is an entry in ClinVar:

ClinVar aggregate classification (germline): Uncertain significance (1 of 4 stars; one submission).

Submission:

GeneDx
Classification: Uncertain significance. Last evaluated: 2019-03-13. Review status: criteria provided, single submitter. Criteria: GeneDx Variant Classification Process June 2021. Collection method: clinical testing. Allele origin: germline. Affected: yes.
Comment: Not observed in large population cohorts (Lek et al., 2016); In silico analysis, which includes protein predictors and evolutionary conservation, supports that this variant does not alter protein structure/function; Has not been previously published as pathogenic or benign to our knowledge

NM_000138.5(FBN1):c.1292C>T (p.Pro431Leu)

Gene: FBN1 (fibrillin 1; minus strand). Cytogenetic location: 15q21.1.
Variant type: single nucleotide variant.
Coding change: c.1292C>T on transcript NM_000138.5 (MANE Select); coding-DNA position 1292, C replaced by T.
Protein change: p.Pro431Leu; replaces proline 431 with leucine.
Molecular consequence: missense variant.
Genome position (GRCh38, 1-based): chr15:48,516,218, G>A on the plus strand (C>T on the coding strand, the complement: FBN1 is on the minus strand). VCF-style: chr15-48516218-G-A. GRCh37 (hg19) VCF-style: chr15-48808415-G-A.
Other names: short protein forms P431L.
Identifiers: ClinVar variation 1307704 (VCV001307704.2), dbSNP rs2141330893, ClinGen allele CA392345427.
Genomic context (GRCh38, chr15:48,516,218, plus strand): 5'-AACTAGATGATTTTTGAATTCTTACTTGGTGGCTCCCGAGATGGATACAGATATTCCACT[G>A]GTGGTCGAGGGACCGGAATTTGAGGTCCAGGAGGAAAGCCAGGAGGAACAGGGAGAACTG-3'
Protein context (NP_000129.3, residues 421-441): PGPQIPVPRP[Pro431Leu]VEYLYPSREP